The following is an entry in ClinVar:

NM_006231.4(POLE):c.909+1G>A

Gene: POLE (DNA polymerase epsilon, catalytic subunit; minus strand). Cytogenetic location: 12q24.33.
Variant type: single nucleotide variant.
Coding change: c.909+1G>A on transcript NM_006231.4 (MANE Select); the canonical splice donor site of the intron after coding-DNA position 909, G replaced by A.
Molecular consequence: splice donor variant.
Genome position (GRCh38, 1-based): chr12:132,676,545, C>T on the plus strand (G>A on the coding strand, the complement: POLE is on the minus strand). VCF-style: chr12-132676545-C-T. GRCh37 (hg19) VCF-style: chr12-133253131-C-T.
Other names: c.909+1G>A (NM_006231.2).
Identifiers: ClinVar variation 1361913 (VCV001361913.7), dbSNP rs2136015354, ClinGen allele CA387364102.

ClinVar aggregate classification (germline): Conflicting classifications of pathogenicity. Review status: criteria provided, conflicting classifications (1 of 4 stars). 2 submissions from 2 submitters: Likely pathogenic (1); Uncertain significance (1). Last evaluated 2026-03-30.

Conditions:
Hereditary cancer-predisposing syndrome. Also called: Neoplastic Syndromes, Hereditary; Tumor predisposition; Hereditary Cancer Syndrome; Hereditary neoplastic syndrome. Identifiers: Orphanet 140162, MedGen C0027672, MeSH D009386, MONDO:0015356.

Submissions (2):

Ambry Genetics
Classification: Uncertain significance for Hereditary cancer-predisposing syndrome. Last evaluated: 2026-03-30. Review status: criteria provided, single submitter. Criteria: Ambry Variant Classification Scheme 2023. Collection method: clinical testing. Allele origin: germline.
Comment: The c.909+1G>A intronic variant results from a G to A substitution one nucleotide after coding exon 9 of the POLE gene. Alterations that disrupt the canonical splice site are expected to cause aberrant splicing, resulting in an abnormal protein or a transcript that is subject to nonsense-mediated mRNA decay. In silico splice site analysis predicts that this alteration will weaken the native splice donor site and will result in the creation or strengthening of a novel splice donor site. This nucleotide position is highly conserved in available vertebrate species. Although biallelic loss of function of POLE has been associated with autosomal recessive POLE deficiency, haploinsufficiency of POLE has not been established as a mechanism of disease for POLE-related polymerase proofreading-associated polyposis (PPAP) and POLE-related CMMRD-like syndrome. Based on the supporting evidence, this variant is expected to be causative of POLE deficiency when present along with a second pathogenic variant on the other allele; however, its clinical significance for PPAP and POLE-related CMMRD-like syndrome is unclear.

Labcorp Genetics (formerly Invitae), Labcorp
Classification: Likely pathogenic. Last evaluated: 2022-05-11. Review status: criteria provided, single submitter. Criteria: Invitae Variant Classification Sherloc (09022015). Collection method: clinical testing. Allele origin: germline.
Comment: This sequence change affects a donor splice site in intron 9 of the POLE gene. It is expected to disrupt RNA splicing. Variants that disrupt the donor or acceptor splice site typically lead to a loss of protein function (PMID: 16199547), and loss-of-function variants in POLE are known to be pathogenic (PMID: 23230001, 25948378, 30503519). This variant is not present in population databases (gnomAD no frequency). This variant has not been reported in the literature in individuals affected with POLE-related conditions. Algorithms developed to predict the effect of sequence changes on RNA splicing suggest that this variant may disrupt the consensus splice site. In summary, the currently available evidence indicates that the variant is pathogenic, but additional data are needed to prove that conclusively. Therefore, this variant has been classified as Likely Pathogenic.

Literature cited by the submitters: PubMed 16199547 (cited by Labcorp Genetics (formerly Invitae), Labcorp); PubMed 23230001 (cited by Labcorp Genetics (formerly Invitae), Labcorp); PubMed 25948378 (cited by Labcorp Genetics (formerly Invitae), Labcorp); PubMed 30503519 (cited by Labcorp Genetics (formerly Invitae), Labcorp).